The following is an entry in ClinVar:

NM_001374736.1(DST):c.20113G>A (p.Glu6705Lys)

Gene: DST (dystonin; minus strand). Cytogenetic location: 6p12.1.
Variant type: single nucleotide variant.
Coding change: c.20113G>A on transcript NM_001374736.1 (MANE Select); coding-DNA position 20113, G replaced by A.
Protein change: p.Glu6705Lys; replaces glutamic acid 6705 with lysine.
Molecular consequence: missense variant.
Genome position (GRCh38, 1-based): chr6:56,497,489, C>T on the plus strand (G>A on the coding strand, the complement: DST is on the minus strand). VCF-style: chr6-56497489-C-T. GRCh37 (hg19) VCF-style: chr6-56362287-C-T.
Other names: c.13756G>A, p.Glu4586Lys (NM_001144769.5); c.13342G>A, p.Glu4448Lys (NM_001144770.2); c.20113G>A, p.Glu6705Lys (NM_001374722.1); c.19153G>A, p.Glu6385Lys (NM_001374729.1); c.12895G>A, p.Glu4299Lys (NM_001374730.1); c.20140G>A, p.Glu6714Lys (NM_001374734.1); c.12244G>A, p.Glu4082Lys (NM_015548.5); c.13222G>A, p.Glu4408Lys (NM_183380.4); short protein forms E4082K, E4408K, E6714K, E4299K, E4448K, E4586K, E6385K, E6705K.
Identifiers: ClinVar variation 967880 (VCV000967880.13), dbSNP rs376734906, ClinGen allele CA3866830.

ClinVar aggregate classification (germline): Uncertain significance. Review status: criteria provided, multiple submitters, no conflicts (2 of 4 stars). 3 submissions from 3 submitters: Uncertain significance (3). Last evaluated 2024-02-24.

Conditions:
Inborn genetic diseases. Identifiers: MedGen C0950123, MeSH D030342.
Hereditary sensory and autonomic neuropathy type 6. Also called: Neuropathy, hereditary sensory and autonomic, type VI; HSAN VI. Identifiers: Orphanet 314381, MedGen C3539003, MONDO:0013839, OMIM 614653.
Epidermolysis bullosa simplex 3, localized or generalized intermediate, with BP230 deficiency (EBS3). Also called: Epidermolysis bullosa simplex, autosomal recessive 2; Epidermolysis bullosa simplex due to BP230 deficiency. Identifiers: Orphanet 412181, MedGen C3809470, MONDO:0014180, OMIM 615425.

Allele frequency attached by ClinVar (database versions not stated): gnomAD 0.00001 and 0.00003; gnomAD exomes 0.00002 and 0.00004; TOPMed 0.00002; ExAC 0.00003; ESP Exome Variant Server 0.00008.
gnomAD v4.1: 36 of 1,612,768 alleles (0.0022%); highest among the groups gnomAD compares: Middle Eastern, 0.066%; no homozygotes.

Submissions (3):

Labcorp Genetics (formerly Invitae), Labcorp
Classification: Uncertain significance for Epidermolysis bullosa simplex 3, localized or generalized intermediate, with BP230 deficiency; Hereditary sensory and autonomic neuropathy type 6. Last evaluated: 2024-02-24. Review status: criteria provided, single submitter. Criteria: Invitae Variant Classification Sherloc (09022015). Collection method: clinical testing. Allele origin: germline.
Comment: The DST gene has multiple clinically relevant transcripts. This variant occurs in alternate transcript NM_015548.4, and corresponds to NM_001723.5:c.*118028G>A in the primary transcript. This sequence change replaces glutamic acid, which is acidic and polar, with lysine, which is basic and polar, at codon 4082 of the DST protein (p.Glu4082Lys). This variant is present in population databases (rs376734906, gnomAD 0.005%). This variant has not been reported in the literature in individuals affected with DST-related conditions. Experimental studies and prediction algorithms are not available or were not evaluated, and the functional significance of this variant is currently unknown. In summary, the available evidence is currently insufficient to determine the role of this variant in disease. Therefore, it has been classified as a Variant of Uncertain Significance.

Ambry Genetics
Classification: Uncertain significance for Inborn genetic diseases. Last evaluated: 2020-02-26. Review status: criteria provided, single submitter. Criteria: Ambry Variant Classification Scheme 2023. Collection method: clinical testing. Allele origin: germline.
Comment: The p.E4586K variant (also known as c.13756G>A), located in coding exon 76 of the DST gene, results from a G to A substitution at nucleotide position 13756. The glutamic acid at codon 4586 is replaced by lysine, an amino acid with similar properties. This amino acid position is highly conserved in available vertebrate species. In addition, this alteration is predicted to be deleterious by in silico analysis. Since supporting evidence is limited at this time, the clinical significance of this alteration remains unclear.

Breakthrough Genomics
Classification: Uncertain significance. Review status: criteria provided, single submitter. Criteria: ACMG Guidelines, 2015. Collection method: not provided. Allele origin: germline. Inheritance: Autosomal recessive inheritance. Affected: yes.